The following is an entry in ClinVar:

ClinVar aggregate classification (germline): Uncertain significance (1 of 4 stars; one submission).

gnomAD v4.1: 2 of 1,593,084 alleles (0.00013%); highest among the groups gnomAD compares: Admixed American, 0.0035%; no homozygotes.

Submission:

Labcorp Genetics (formerly Invitae), Labcorp
Classification: Uncertain significance. Last evaluated: 2023-05-29. Review status: criteria provided, single submitter. Criteria: Invitae Variant Classification Sherloc (09022015). Collection method: clinical testing. Allele origin: germline.
Comment: In summary, the available evidence is currently insufficient to determine the role of this variant in disease. Therefore, it has been classified as a Variant of Uncertain Significance. An algorithm developed to predict the effect of missense changes on protein structure and function (PolyPhen-2) suggests that this variant is likely to be tolerated. This variant has not been reported in the literature in individuals affected with CDT1-related conditions. This variant is present in population databases (no rsID available, gnomAD 0.003%). This sequence change replaces proline, which is neutral and non-polar, with alanine, which is neutral and non-polar, at codon 284 of the CDT1 protein (p.Pro284Ala).

NM_030928.4(CDT1):c.850C>G (p.Pro284Ala)

Gene: CDT1 (chromatin licensing and DNA replication factor 1; plus strand). Cytogenetic location: 16q24.3.
Variant type: single nucleotide variant.
Coding change: c.850C>G on transcript NM_030928.4 (MANE Select); coding-DNA position 850, C replaced by G.
Protein change: p.Pro284Ala; replaces proline 284 with alanine.
Molecular consequence: missense variant.
Genome position (GRCh38, 1-based): chr16:88,806,038, C>G. VCF-style: chr16-88806038-C-G. GRCh37 (hg19) VCF-style: chr16-88872446-C-G.
Other names: short protein forms P284A.
Identifiers: ClinVar variation 2963744 (VCV002963744.3), dbSNP rs777208715, ClinGen allele CA397077579.
Genomic context (GRCh38, chr16:88,806,038, plus strand): 5'-CTGGGTGGCCTGGTGGGGACTTAGGCCTGGACTCGTCCCACAGAGGCTGACGGAGCAGCC[C>G]CCCAGCTCACGGCCTCGCGCCTCCTGCAGCGACGGCAGATCTTCAGCCAGAAGCTGGTGG-3'
Protein context (NP_112190.2, residues 274-294): LLEQEADGAA[Pro284Ala]QLTASRLLQR